The following is an entry in ClinVar:

NM_004936.4(CDKN2B):c.256G>A (p.Asp86Asn)

Genes: CDKN2B (cyclin dependent kinase inhibitor 2B; minus strand), CDKN2B-AS1 (CDKN2B and CDKN2A antisense cis and trans regulatory RNA 1; plus strand). Cytogenetic location: 9p21.3.
Variant type: single nucleotide variant.
Coding change: c.256G>A on transcript NM_004936.4 (MANE Select); coding-DNA position 256, G replaced by A.
Protein change: p.Asp86Asn; replaces aspartic acid 86 with asparagine.
Molecular consequence: missense variant. On other transcripts: 3 prime UTR variant (1).
Genome position (GRCh38, 1-based): chr9:22,006,148, C>T on the plus strand (G>A on the coding strand, the complement: CDKN2B is on the minus strand). VCF-style: chr9-22006148-C-T. GRCh37 (hg19) VCF-style: chr9-22006147-C-T.
Other names: c.*142G>A (NM_078487.2); short protein forms D86N.
Identifiers: ClinVar variation 426555 (VCV000426555.36), dbSNP rs148421170, ClinGen allele CA5012487.

ClinVar aggregate classification (germline): Conflicting classifications of pathogenicity. Review status: criteria provided, conflicting classifications (1 of 4 stars). 4 submissions from 4 submitters: Uncertain significance (3); Benign (1). Last evaluated 2025-12-01.

Conditions:
Multiple endocrine neoplasia. Identifiers: Orphanet 276161, MedGen C0027662, MONDO:0017169.

Allele frequency attached by ClinVar (database versions not stated): 1000 Genomes Project 30x 0.00031; 1000 Genomes Project 0.00040; gnomAD 0.00116 and 0.00123; TOPMed 0.00117; gnomAD exomes 0.00120 and 0.00176; ExAC 0.00147; ESP Exome Variant Server 0.00208.
gnomAD v4.1: 2,718 of 1,611,768 alleles (0.17%); highest among the groups gnomAD compares: Non-Finnish European, 0.21%; 7 homozygotes.

Submissions (4):

CeGaT Center for Human Genetics Tuebingen
Classification: Benign. Last evaluated: 2025-12-01. Review status: criteria provided, single submitter. Criteria: CeGaT Center For Human Genetics Tuebingen Variant Classification Criteria Version 2. Collection method: clinical testing. Allele origin: germline. Affected: yes. Observed: 14 variant alleles.
Comment: CDKN2B: BS1, BS2

Center for Genomic Medicine, Rigshospitalet, Copenhagen University Hospital
Classification: Uncertain significance. Last evaluated: 2025-03-04. Review status: criteria provided, single submitter. Criteria: ACMG Guidelines, 2015. Collection method: clinical testing. Allele origin: germline.

Department of Pathology and Laboratory Medicine, Sinai Health System
Classification: Uncertain significance for multiple endocrine neoplasia. Last evaluated: 2022-08-02. Review status: criteria provided, single submitter. Criteria: ACMG Guidelines, 2015. Collection method: research. Allele origin: germline.

GeneDx
Classification: Uncertain significance. Last evaluated: 2017-04-12. Review status: criteria provided, single submitter. Criteria: GeneDx Variant Classification (06012015). Collection method: clinical testing. Allele origin: germline. Affected: yes.
Comment: The D86N variant in the CDKN2B gene has been reported previously as a germline variant in one individual with a metastatic pancreatic endocrine tumor (Lindberg et al., 2008). The D86N variant has also been reported in an individual with primary hyperparathyroidism caused by a sporadic parathyroid adenoma; the D86N variant was present in the germline and accompanied by a loss of the second CDKN2B allele in the tumor sample (Costa-Guda et al., 2013). In addition, the D86N variant was reported as a germline variant in an individual with clear-cell renal cell carcinoma (Jafri et al., 2015). In vitro functional studies of the D86N variant demonstrate impaired CDK6 binding and impaired growth suppressor activity (Costa-Guda et al., 2013; Jafri et al., 2015). The D86N variant is observed in 150/61460 (0.24%) alleles from individuals of European background, in large population cohorts (Lek et al., 2016; 1000 Genomes Consortium et al., 2015; Exome Variant Server). The D86N variant is a semi-conservative amino acid substitution, which may impact secondary protein structure as these residues differ in some properties. This substitution occurs at a position that is conserved across species. In silico analysis predicts this variant is probably damaging to the protein structure/function. We interpret D86N as a variant of uncertain significance.

Literature cited by the submitters: PubMed 23715670 (cited by Center for Genomic Medicine, Rigshospitalet, Copenhagen University Hospital); PubMed 25873077 (cited by Center for Genomic Medicine, Rigshospitalet, Copenhagen University Hospital).